The following is an entry in ClinVar:

ClinVar aggregate classification (germline): Pathogenic (1 of 4 stars; one submission).

Conditions:
Hereditary spastic paraplegia 46. Also called: Spastic paraplegia 46, autosomal recessive. Identifiers: Orphanet 320391, MedGen C2828721, MONDO:0013737, OMIM 614409.

Submission:

3billion
Classification: Pathogenic for Hereditary spastic paraplegia 46. Review status: criteria provided, single submitter. Criteria: ACMG Guidelines, 2015. Collection method: clinical testing. Allele origin: unknown. Affected: yes. Observed: 1 homozygote.
Comment: The variant is observed at an extremely low frequency in the gnomAD v2.1.1 dataset (total allele frequency: <0.001%). The variant is predicted to result in a loss or disruption of normal protein function through nonsense-mediated decay (NMD) or protein truncation. Multiple pathogenic variants are reported downstream of the variant. Therefore, this variant is classified as Pathogenic according to the recommendation of ACMG/AMP guideline.

NM_020944.3(GBA2):c.1602C>A (p.Tyr534Ter)

Gene: GBA2 (glucosylceramidase beta 2; minus strand). Cytogenetic location: 9p13.3.
Variant type: single nucleotide variant.
Coding change: c.1602C>A on transcript NM_020944.3 (MANE Select); coding-DNA position 1602, C replaced by A.
Protein change: p.Tyr534Ter; replaces tyrosine 534 with a stop codon.
Molecular consequence: nonsense.
Genome position (GRCh38, 1-based): chr9:35,739,400, G>T on the plus strand (C>A on the coding strand, the complement: GBA2 is on the minus strand). VCF-style: chr9-35739400-G-T. GRCh37 (hg19) VCF-style: chr9-35739397-G-T.
Other names: c.1602C>A, p.Tyr534Ter (NM_001330660.2); short protein forms Y534*.
Identifiers: ClinVar variation 2572509 (VCV002572509.1), dbSNP rs1188035446, ClinGen allele CA373411530.